The following is an entry in ClinVar:

ClinVar aggregate classification (germline): Pathogenic. Review status: criteria provided, single submitter (1 of 4 stars). 2 submissions from 2 submitters: Pathogenic (1). 1 of the submissions does not count toward it. Last evaluated 2023-09-18.

Conditions:
Tuberous sclerosis syndrome (TSC). Also called: Tuberous Sclerosis Complex; Tuberous sclerosis. Identifiers: Orphanet 805, MedGen C0041341, MONDO:0001734.
Tuberous sclerosis 2 (TSC2). Identifiers: Orphanet 805, MedGen C1860707, MONDO:0013199, OMIM 613254.

Submissions (2):

Labcorp Genetics (formerly Invitae), Labcorp
Classification: Pathogenic for Tuberous sclerosis 2. Last evaluated: 2023-09-18. Review status: criteria provided, single submitter. Criteria: Invitae Variant Classification Sherloc (09022015). Collection method: clinical testing. Allele origin: germline.
Comment: This sequence change creates a premature translational stop signal (p.Gln1119*) in the TSC2 gene. It is expected to result in an absent or disrupted protein product. Loss-of-function variants in TSC2 are known to be pathogenic (PMID: 10205261, 17304050). For these reasons, this variant has been classified as Pathogenic. Algorithms developed to predict the effect of sequence changes on RNA splicing suggest that this variant may disrupt the consensus splice site. ClinVar contains an entry for this variant (Variation ID: 50063). This premature translational stop signal has been observed in individual(s) with tuberous sclerosis complex (PMID: 14756965, 15024740; Invitae). This variant is not present in population databases (gnomAD no frequency).

Tuberous sclerosis database (TSC2)
No classification provided. Condition: TSC. Review status: no classification provided. Criteria: Tuberous Sclerosis Database Assertion Criteria 2015. Collection method: curation. Allele origin: germline. Affected: yes. Not counted in ClinVar's aggregate classification.

Literature cited by the submitters: PubMed 10205261 (cited by Labcorp Genetics (formerly Invitae), Labcorp); PubMed 17304050 (cited by Labcorp Genetics (formerly Invitae), Labcorp); PubMed 14756965 (cited by Labcorp Genetics (formerly Invitae), Labcorp); PubMed 15024740 (cited by Labcorp Genetics (formerly Invitae), Labcorp).

NM_000548.5(TSC2):c.3355C>T (p.Gln1119Ter)

Gene: TSC2 (TSC complex subunit 2; plus strand). Cytogenetic location: 16p13.3.
Variant type: single nucleotide variant.
Coding change: c.3355C>T on transcript NM_000548.5 (MANE Select); coding-DNA position 3355, C replaced by T.
Protein change: p.Gln1119Ter; replaces glutamine 1119 with a stop codon.
Molecular consequence: nonsense.
Genome position (GRCh38, 1-based): chr16:2,079,627, C>T. VCF-style: chr16-2079627-C-T. GRCh37 (hg19) VCF-style: chr16-2129628-C-T.
Other names: c.3226C>T, p.Gln1076Ter (NM_001363528.2, NM_001370405.1, NM_021055.3); c.3223C>T, p.Gln1075Ter (NM_001370404.1, NM_001077183.3); c.3355C>T, p.Gln1119Ter (NM_001114382.3); c.3115C>T, p.Gln1039Ter (NM_001318827.2); c.3079C>T, p.Gln1027Ter (NM_001318829.2); c.2623C>T, p.Gln875Ter (NM_001318831.2); c.3256C>T, p.Gln1086Ter (NM_001318832.2); short protein forms Q1119*, Q1075*, Q1027*, Q1039*, Q875*, Q1076*, Q1086*.
Identifiers: ClinVar variation 50063 (VCV000050063.9), dbSNP rs45517292, ClinGen allele CA018947.